The following is an entry in ClinVar:

ClinVar aggregate classification (germline): Uncertain significance (1 of 4 stars; one submission).

Conditions:
TMEM67-related disorder. Also called: TMEM67-related condition; TMEM67-related disorders. Identifiers: MedGen CN239423.

Submission:

PreventionGenetics, part of Exact Sciences
Classification: Uncertain significance for TMEM67-related condition. Last evaluated: 2026-01-16. Review status: criteria provided, single submitter. Criteria: ACMG Guidelines, 2015. Collection method: clinical testing. Allele origin: germline.
Comment: The TMEM67 c.2649C>T variant is not predicted to result in an amino acid change (p.=). This variant is predicted to alter splicing based on available splicing prediction programs (SpliceAI, Jaganathan et al. 2019. PubMed ID: 30661751). However, the use of computer prediction programs is not equivalent to functional evidence. To our knowledge, this variant has not been reported in the literature or in a large population database (gnomAD), indicating this variant is rare. At this time, the clinical significance of this variant is uncertain due to the absence of conclusive functional and genetic evidence.

NM_153704.6(TMEM67):c.2649C>T (p.Ser883=)

Gene: TMEM67 (transmembrane protein 67; plus strand). Cytogenetic location: 8q22.1.
Variant type: single nucleotide variant.
Coding change: c.2649C>T on transcript NM_153704.6 (MANE Select); coding-DNA position 2649, C replaced by T.
Protein change: p.Ser883=; no amino-acid change (serine 883 retained).
Molecular consequence: synonymous variant. On other transcripts: non-coding transcript variant (1).
Genome position (GRCh38, 1-based): chr8:93,809,149, C>T. VCF-style: chr8-93809149-C-T. GRCh37 (hg19) VCF-style: chr8-94821377-C-T.
Other names: c.2406C>T, p.Ser802= (NM_001142301.1).
Identifiers: ClinVar variation 4995848 (VCV004995848.1).
Genomic context (GRCh38, chr8:93,809,149, plus strand): 5'-AGCAAGTACTTTTGAGCAGAGTATAAAAGCATATCATATGATGAATAAATTTCTTGGCTC[C>T]TTCATTGACCATGTATGTATGTCAACATTTATATTTAAGCTGGGATCAAATGCAATTTTT-3'
Protein context (NP_714915.3, residues 873-893): AYHMMNKFLG[Ser883=]FIDHVHKEMD